The following is an entry in ClinVar:

NM_000548.5(TSC2):c.4670G>A (p.Ser1557Asn)

Gene: TSC2 (TSC complex subunit 2; plus strand). Cytogenetic location: 16p13.3.
Variant type: single nucleotide variant.
Coding change: c.4670G>A on transcript NM_000548.5 (MANE Select); coding-DNA position 4670, G replaced by A.
Protein change: p.Ser1557Asn; replaces serine 1557 with asparagine.
Molecular consequence: missense variant. On other transcripts: non-coding transcript variant (5).
Genome position (GRCh38, 1-based): chr16:2,086,200, G>A. VCF-style: chr16-2086200-G-A. GRCh37 (hg19) VCF-style: chr16-2136201-G-A.
Other names: c.4469G>A, p.Ser1490Asn (NM_001077183.3); c.4601G>A, p.Ser1534Asn (NM_001114382.3); c.4361G>A, p.Ser1454Asn (NM_001318827.2); c.4325G>A, p.Ser1442Asn (NM_001318829.2); c.3938G>A, p.Ser1313Asn (NM_001318831.2); c.4502G>A, p.Ser1501Asn (NM_001318832.2); c.4472G>A, p.Ser1491Asn (NM_001363528.2); c.4538G>A, p.Ser1513Asn (NM_001370404.1); and 26 more; short protein forms S1066N, S1291N, S1313N, S1333N, S1453N, S1454N, S1484N, S1486N.
Identifiers: ClinVar variation 4826463 (VCV004826463.1).
Genomic context (GRCh38, chr16:2,086,200, plus strand): 5'-GGCAGGGCCCGGCCCGGGAGTGATGCCACCCTGCCTCTCCCCTCTCCCCACAGAGCAACA[G>A]CGAGCTCGCCATCCTGTCCAATGAGCATGGCTCCTACAGGTACACGGAGTTCCTGACGGG-3'
Protein context (NP_000539.2, residues 1547-1567): VLYVGEGQSN[Ser1557Asn]ELAILSNEHG

ClinVar aggregate classification (germline): Uncertain significance (1 of 4 stars; one submission).

Conditions:
Hereditary cancer-predisposing syndrome. Also called: Neoplastic Syndromes, Hereditary; Tumor predisposition; Hereditary Cancer Syndrome; Hereditary neoplastic syndrome. Identifiers: Orphanet 140162, MedGen C0027672, MeSH D009386, MONDO:0015356.

Submission:

Ambry Genetics
Classification: Uncertain significance for Hereditary cancer-predisposing syndrome. Last evaluated: 2026-03-02. Review status: criteria provided, single submitter. Criteria: Ambry Variant Classification Scheme 2023. Collection method: clinical testing. Allele origin: germline.
Comment: The p.S1557N variant (also known as c.4670G>A), located in coding exon 36 of the TSC2 gene, results from a G to A substitution at nucleotide position 4670. The serine at codon 1557 is replaced by asparagine, an amino acid with highly similar properties. This amino acid position is well conserved in available vertebrate species. In addition, the in silico prediction for this alteration is inconclusive. Based on the available evidence, the clinical significance of this variant remains unclear.